The following is an entry in ClinVar:

NM_000548.5(TSC2):c.2822A>G (p.Asn941Ser)

Gene: TSC2 (TSC complex subunit 2; plus strand). Cytogenetic location: 16p13.3.
Variant type: single nucleotide variant.
Coding change: c.2822A>G on transcript NM_000548.5 (MANE Select); coding-DNA position 2822, A replaced by G.
Protein change: p.Asn941Ser; replaces asparagine 941 with serine.
Molecular consequence: missense variant. On other transcripts: non-coding transcript variant (5).
Genome position (GRCh38, 1-based): chr16:2,076,570, A>G. VCF-style: chr16-2076570-A-G. GRCh37 (hg19) VCF-style: chr16-2126571-A-G.
Other names: c.2822A>G, p.Asn941Ser (NM_001077183.3, NM_001114382.3, NM_001363528.2 and 6 more transcripts); c.2711A>G, p.Asn904Ser (NM_001318827.2, NM_001406670.1, NM_001406678.1); c.2675A>G, p.Asn892Ser (NM_001318829.2, NM_001406675.1, NM_001406676.1 and 1 more transcripts); c.2222A>G, p.Asn741Ser (NM_001318831.2, NM_001406680.1, NM_001406682.1 and 6 more transcripts); c.2855A>G, p.Asn952Ser (NM_001318832.2); c.2912A>G, p.Asn971Ser (NM_001406667.1, NM_001406668.1); c.2810A>G, p.Asn937Ser (NM_001406671.1, NM_001406673.1); c.2765A>G, p.Asn922Ser (NM_001406677.1); and 3 more; short protein forms N407S, N493S, N787S, N922S, N937S, N741S, N892S, N904S.
Identifiers: ClinVar variation 2871534 (VCV002871534.4), dbSNP rs2089415203, ClinGen allele CA394280205.

ClinVar aggregate classification (germline): Uncertain significance. Review status: criteria provided, multiple submitters, no conflicts (2 of 4 stars). 2 submissions from 2 submitters: Uncertain significance (2). Last evaluated 2024-11-14.

Conditions:
Tuberous sclerosis 2 (TSC2). Identifiers: Orphanet 805, MedGen C1860707, MONDO:0013199, OMIM 613254.
Hereditary cancer-predisposing syndrome. Also called: Hereditary Cancer Syndrome; Hereditary neoplastic syndrome; Neoplastic Syndromes, Hereditary; Tumor predisposition. Identifiers: Orphanet 140162, MedGen C0027672, MeSH D009386, MONDO:0015356.

Submissions (2):

Ambry Genetics
Classification: Uncertain significance for Hereditary cancer-predisposing syndrome. Last evaluated: 2024-11-14. Review status: criteria provided, single submitter. Criteria: Ambry Variant Classification Scheme 2023. Collection method: clinical testing. Allele origin: germline.
Comment: The p.N941S variant (also known as c.2822A>G), located in coding exon 24 of the TSC2 gene, results from an A to G substitution at nucleotide position 2822. The asparagine at codon 941 is replaced by serine, an amino acid with highly similar properties. This amino acid position is conserved. In addition, the in silico prediction for this alteration is inconclusive. Based on the available evidence, the clinical significance of this variant remains unclear.

Labcorp Genetics (formerly Invitae), Labcorp
Classification: Uncertain significance for Tuberous sclerosis 2. Last evaluated: 2024-04-15. Review status: criteria provided, single submitter. Criteria: Invitae Variant Classification Sherloc (09022015). Collection method: clinical testing. Allele origin: germline.
Comment: This sequence change replaces asparagine, which is neutral and polar, with serine, which is neutral and polar, at codon 941 of the TSC2 protein (p.Asn941Ser). This variant is not present in population databases (gnomAD no frequency). This variant has not been reported in the literature in individuals affected with TSC2-related conditions. Advanced modeling of protein sequence and biophysical properties (such as structural, functional, and spatial information, amino acid conservation, physicochemical variation, residue mobility, and thermodynamic stability) performed at Invitae indicates that this missense variant is not expected to disrupt TSC2 protein function with a negative predictive value of 95%. In summary, the available evidence is currently insufficient to determine the role of this variant in disease. Therefore, it has been classified as a Variant of Uncertain Significance.